The following is an entry in ClinVar:

ClinVar aggregate classification (germline): Pathogenic (1 of 4 stars; one submission).

Conditions:
Polyglandular autoimmune syndrome, type 1 (APS1). Also called: Autoimmune polyendocrinopathy syndrome , type I, with or without reversible metaphyseal dysplasia; AUTOIMMUNE POLYENDOCRINE SYNDROME, TYPE I, WITH OR WITHOUT REVERSIBLE METAPHYSEAL DYSPLASIA; HYPOADRENOCORTICISM WITH HYPOPARATHYROIDISM AND SUPERFICIAL MONILIASIS; PGA I; Autoimmune polyendocrine syndrome type 1; Autoimmune polyendocrinopathy syndrome, type I. Identifiers: Orphanet 3453, MedGen C0085859, MONDO:0009411, OMIM 240300.

Submission:

Labcorp Genetics (formerly Invitae), Labcorp
Classification: Pathogenic for Polyglandular autoimmune syndrome, type 1. Last evaluated: 2023-12-09. Review status: criteria provided, single submitter. Criteria: Invitae Variant Classification Sherloc (09022015). Collection method: clinical testing. Allele origin: germline.
Comment: This sequence change creates a premature translational stop signal (p.Asp439Glyfs*35) in the AIRE gene. It is expected to result in an absent or disrupted protein product. Loss-of-function variants in AIRE are known to be pathogenic (PMID: 11524731, 26141571). This variant is not present in population databases (gnomAD no frequency). This variant has not been reported in the literature in individuals affected with AIRE-related conditions. For these reasons, this variant has been classified as Pathogenic.

Literature cited by the submitters: PubMed 11524731; PubMed 26141571.

NM_000383.4(AIRE):c.1316_1334del (p.Asp439fs)

Gene: AIRE (autoimmune regulator; plus strand). Cytogenetic location: 21q22.3.
Variant type: Deletion.
Coding change: c.1316_1334del on transcript NM_000383.4 (MANE Select); coding-DNA positions 1316 to 1334, 19 bases deleted (ATGGTACGGACGTGCTGCG).
Protein change: p.Asp439fs; shifts the reading frame from aspartic acid 439.
Molecular consequence: frameshift variant.
Genome position (GRCh38, 1-based): chr21:44,293,826-44,293,844, ATGGTACGGACGTGCTGCG deleted; deleting any 19 consecutive bases within chr21:44,293,825-44,293,844 gives the same sequence; the c. name uses the placement nearest the transcript's 3' end. VCF-style (leftmost placement, unchanged base first): chr21-44293824-AGATGGTACGGACGTGCTGC-A. GRCh37 (hg19) VCF-style: chr21-45713707-AGATGGTACGGACGTGCTGC-A.
Other names: short protein forms D439fs.
Identifiers: ClinVar variation 2745439 (VCV002745439.3), dbSNP rs2517885759, ClinGen allele CA2697547567.